The following is an entry in ClinVar:

NM_024580.6(EFL1):c.3062T>C (p.Met1021Thr)

Gene: EFL1 (elongation factor like GTPase 1; minus strand). Cytogenetic location: 15q25.2.
Variant type: single nucleotide variant.
Coding change: c.3062T>C on transcript NM_024580.6 (MANE Select); coding-DNA position 3062, T replaced by C.
Protein change: p.Met1021Thr; replaces methionine 1021 with threonine.
Molecular consequence: missense variant. On other transcripts: non-coding transcript variant (1).
Genome position (GRCh38, 1-based): chr15:82,138,770, A>G on the plus strand (T>C on the coding strand, the complement: EFL1 is on the minus strand). VCF-style: chr15-82138770-A-G. GRCh37 (hg19) VCF-style: chr15-82431111-A-G.
Other names: c.2909T>C, p.Met970Thr (NM_001040610.3); c.2273T>C, p.Met758Thr (NM_001322844.2); c.3062T>C, p.Met1021Thr (NM_001322845.2); short protein forms M1021T, M758T, M970T.
Identifiers: ClinVar variation 3612928 (VCV003612928.2).

ClinVar aggregate classification (germline): Uncertain significance (1 of 4 stars; one submission).

Submission:

Labcorp Genetics (formerly Invitae), Labcorp
Classification: Uncertain significance. Last evaluated: 2025-01-21. Review status: criteria provided, single submitter. Criteria: Invitae Variant Classification Sherloc (09022015). Collection method: clinical testing. Allele origin: germline.
Comment: This sequence change replaces methionine, which is neutral and non-polar, with threonine, which is neutral and polar, at codon 1021 of the EFL1 protein (p.Met1021Thr). This variant is not present in population databases (gnomAD no frequency). This variant has not been reported in the literature in individuals affected with EFL1-related conditions. Invitae Evidence Modeling of protein sequence and biophysical properties (such as structural, functional, and spatial information, amino acid conservation, physicochemical variation, residue mobility, and thermodynamic stability) indicates that this missense variant is not expected to disrupt EFL1 protein function with a negative predictive value of 80%. In summary, the available evidence is currently insufficient to determine the role of this variant in disease. Therefore, it has been classified as a Variant of Uncertain Significance.